The following is an entry in ClinVar:

NM_001165963.4(SCN1A):c.1008T>A (p.Cys336Ter)

Gene: SCN1A (sodium voltage-gated channel alpha subunit 1; minus strand). Cytogenetic location: 2q24.3.
Variant type: single nucleotide variant.
Coding change: c.1008T>A on transcript NM_001165963.4 (MANE Select); coding-DNA position 1008, T replaced by A.
Protein change: p.Cys336Ter; replaces cysteine 336 with a stop codon.
Molecular consequence: nonsense. On other transcripts: 5 prime UTR variant (1), non-coding transcript variant (1).
Genome position (GRCh38, 1-based): chr2:166,048,906, A>T on the plus strand (T>A on the coding strand, the complement: SCN1A is on the minus strand). VCF-style: chr2-166048906-A-T. GRCh37 (hg19) VCF-style: chr2-166905416-A-T.
Other names: c.1008T>A, p.Cys336Ter (NM_001165964.3, NM_001202435.3, NM_001353948.2 and 10 more transcripts); c.-1418T>A (NM_001353961.2); short protein forms C336*.
Identifiers: ClinVar variation 1073133 (VCV001073133.8), dbSNP rs1553548096, ClinGen allele CA349071604.

ClinVar aggregate classification (germline): Pathogenic (1 of 4 stars; one submission).

Conditions:
Early-infantile DEE. Also called: Ohtahara syndrome; Early infantile epileptic encephalopathy with suppression bursts; Early infantile epileptic encephalopathy. Identifiers: Orphanet 1934, MedGen C0393706, MONDO:0800491.

Submission:

Labcorp Genetics (formerly Invitae), Labcorp
Classification: Pathogenic for Early-infantile DEE. Last evaluated: 2020-02-06. Review status: criteria provided, single submitter. Criteria: Invitae Variant Classification Sherloc (09022015). Collection method: clinical testing. Allele origin: germline.
Comment: For these reasons, this variant has been classified as Pathogenic. Loss-of-function variants in SCN1A are known to be pathogenic (PMID: 17347258, 18930999). This variant has not been reported in the literature in individuals with SCN1A-related conditions. This variant is not present in population databases (ExAC no frequency). This sequence change creates a premature translational stop signal (p.Cys336*) in the SCN1A gene. It is expected to result in an absent or disrupted protein product.

Literature cited by the submitters: PubMed 17347258; PubMed 18930999.